The following is an entry in ClinVar:

ClinVar aggregate classification (germline): Benign/Likely benign. Review status: criteria provided, multiple submitters, no conflicts (2 of 4 stars). 3 submissions from 3 submitters: Benign (2); Likely benign (1). Last evaluated 2026-04-18.

Conditions:
TMEM107-related disorder. Also called: TMEM107-related condition.

Allele frequency attached by ClinVar (database versions not stated): 1000 Genomes Project 0.01937; 1000 Genomes Project 30x 0.02217; ESP Exome Variant Server 0.02546.
gnomAD v4.1: 5,862 of 765,314 alleles (0.77%); highest among the groups gnomAD compares: African/African-American, 8.2%; 224 homozygotes.

Submissions (3):

PreventionGenetics, part of Exact Sciences
Classification: Benign for TMEM107-related condition. Last evaluated: 2026-04-18. Review status: criteria provided, single submitter. Criteria: ACMG Guidelines, 2015. Collection method: clinical testing. Allele origin: germline.
Comment: This variant is classified as benign based on ACMG/AMP sequence variant interpretation guidelines (Richards et al. 2015 PMID: 25741868, with internal and published modifications).

Labcorp Genetics (formerly Invitae), Labcorp
Classification: Benign. Last evaluated: 2026-01-27. Review status: criteria provided, single submitter. Criteria: Invitae Variant Classification Sherloc (09022015). Collection method: clinical testing. Allele origin: germline.

Blueprint Genetics
Classification: Likely benign. Last evaluated: 2024-11-26. Review status: criteria provided, single submitter. Criteria: ACMG Guidelines, 2015. Collection method: clinical testing. Allele origin: germline.

NR_033294.2(SNORD118):n.43G>A

Genes: SNORD118 (small nucleolar RNA, C/D box 118; minus strand), TMEM107 (transmembrane protein 107; minus strand). Cytogenetic location: 17p13.1.
Variant type: single nucleotide variant.
Molecular consequence: non-coding transcript variant (on NR_033294.2). On other transcripts: 3 prime UTR variant (5).
Genome position: GRCh38 VCF-style: chr17-8173546-C-T. GRCh37 (hg19) VCF-style: chr17-8076864-C-T.
Other names: c.*657G>A (NM_001351278.2, NM_001351279.2, NM_001351280.2 and 3 more transcripts).
Identifiers: ClinVar variation 1642413 (VCV001642413.12), dbSNP rs76164795, ClinGen allele CA8370747.